The following is an entry in ClinVar:

NM_000969.5(RPL5):c.170A>G (p.Asn57Ser)

Genes: DIPK1A (divergent protein kinase domain 1A; minus strand), RPL5 (ribosomal protein L5; plus strand). Cytogenetic location: 1p22.1.
Variant type: single nucleotide variant.
Coding change: c.170A>G on transcript NM_000969.5 (MANE Select); coding-DNA position 170, A replaced by G.
Protein change: p.Asn57Ser; replaces asparagine 57 with serine.
Molecular consequence: missense variant. On other transcripts: non-coding transcript variant (1), intron variant (1).
Genome position (GRCh38, 1-based): chr1:92,833,641, A>G. VCF-style: chr1-92833641-A-G. GRCh37 (hg19) VCF-style: chr1-93299198-A-G.
Other names: c.475-607T>C (NM_001252273.2); short protein forms N57S.
Identifiers: ClinVar variation 532179 (VCV000532179.48), dbSNP rs1553285028, ClinGen allele CA341241059.
Genomic context (GRCh38, chr1:92,833,641, plus strand): 5'-TGATACAAGATAAAAATAAATACAACACACCCAAATACAGGATGATAGTTCGTGTGACAA[A>G]CAGAGATATCATTTGTCAGGTAAGTTGTATTCTAGACAGTCCCCTTTTTTTATTGCTAGA-3'
Protein context (NP_000960.2, residues 47-67): PKYRMIVRVT[Asn57Ser]RDIICQIAYA

ClinVar aggregate classification (germline): Uncertain significance. Review status: criteria provided, multiple submitters, no conflicts (2 of 4 stars). 2 submissions from 2 submitters: Uncertain significance (2). Last evaluated 2024-02-12.

Conditions:
Diamond-Blackfan anemia. Also called: Blackfan Diamond syndrome; Aregenerative anemia chronic congenital; Red cell aplasia, pure hereditary; Congenital hypoplastic anemia; Aase syndrome. Identifiers: Orphanet 124, MedGen C1260899, MeSH D029503, MONDO:0015253, HP:0004810.
Diamond-Blackfan anemia 6 (DBA6). Also called: RPL5-Related Diamond-Blackfan Anemia. Identifiers: Orphanet 124, MedGen C2931850, MONDO:0012937, OMIM 612561.

Submissions (2):

Fulgent Genetics
Classification: Uncertain significance for Diamond-Blackfan anemia 6. Last evaluated: 2024-02-12. Review status: criteria provided, single submitter. Criteria: ACMG Guidelines, 2015. Collection method: clinical testing. Allele origin: germline.

Labcorp Genetics (formerly Invitae), Labcorp
Classification: Uncertain significance for Diamond-Blackfan anemia. Last evaluated: 2017-12-20. Review status: criteria provided, single submitter. Criteria: Invitae Variant Classification Sherloc (09022015). Collection method: clinical testing. Allele origin: germline.
Comment: In summary, the available evidence is currently insufficient to determine the role of this variant in disease. Therefore, it has been classified as a Variant of Uncertain Significance. Algorithms developed to predict the effect of missense changes on protein structure and function do not agree on the potential impact of this missense change (SIFT: "Deleterious"; PolyPhen-2: "Benign"; Align-GVGD: "Class C45"). This variant has not been reported in the literature in individuals with RPL5-related disease. This variant is not present in population databases (ExAC no frequency). This sequence change replaces asparagine with serine at codon 57 of the RPL5 protein (p.Asn57Ser). The asparagine residue is highly conserved and there is a small physicochemical difference between asparagine and serine.